The following is an entry in ClinVar:

NM_000090.4(COL3A1):c.1128C>A (p.His376Gln)

Gene: COL3A1 (collagen type III alpha 1 chain; plus strand). Cytogenetic location: 2q32.2.
Variant type: single nucleotide variant.
Coding change: c.1128C>A on transcript NM_000090.4 (MANE Select); coding-DNA position 1128, C replaced by A.
Protein change: p.His376Gln; replaces histidine 376 with glutamine.
Molecular consequence: missense variant.
Genome position (GRCh38, 1-based): chr2:188,993,438, C>A. VCF-style: chr2-188993438-C-A. GRCh37 (hg19) VCF-style: chr2-189858164-C-A.
Other names: short protein forms H376Q.
Identifiers: ClinVar variation 1913827 (VCV001913827.5), dbSNP rs771015742, ClinGen allele CA349851038.
Genomic context (GRCh38, chr2:188,993,438, plus strand): 5'-AGGGTCTCCTGGTTCAAATGGTGCCCCTGGACAAAGAGGAGAACCTGGACCTCAGGGACA[C>A]GCTGGTGCTCAAGGTCCTCCTGTAAGTATCATAGTTGAGAGGGAGTAAGCATAGTTTCAT-3'
Protein context (NP_000081.2, residues 366-386): GQRGEPGPQG[His376Gln]AGAQGPPGPP

ClinVar aggregate classification (germline): Uncertain significance (1 of 4 stars; one submission).

Conditions:
Ehlers-Danlos syndrome, type 4 (EDSVASC). Also called: Ehlers-Danlos syndrome vascular type; Ehlers Danlos syndrome, ecchymotic type; Ehlers Danlos syndrome, arterial type; Ehlers Danlos syndrome, Sack-Barabas type; Ehlers-Danlos Syndrome Type IV. Identifiers: Orphanet 286, MedGen C0268338, MONDO:0017314, OMIM 130050.

Submission:

Labcorp Genetics (formerly Invitae), Labcorp
Classification: Uncertain significance for Ehlers-Danlos syndrome, type 4. Last evaluated: 2025-10-22. Review status: criteria provided, single submitter. Criteria: Invitae Variant Classification Sherloc (09022015). Collection method: clinical testing. Allele origin: germline.
Comment: This sequence change replaces histidine, which is basic and polar, with glutamine, which is neutral and polar, at codon 376 of the COL3A1 protein (p.His376Gln). This variant is not present in population databases (gnomAD no frequency). This variant has not been reported in the literature in individuals affected with COL3A1-related conditions. ClinVar contains an entry for this variant (Variation ID: 1913827). Invitae Evidence Modeling of protein sequence and biophysical properties (such as structural, functional, and spatial information, amino acid conservation, physicochemical variation, residue mobility, and thermodynamic stability) indicates that this missense variant is not expected to disrupt COL3A1 protein function with a negative predictive value of 95%. In summary, the available evidence is currently insufficient to determine the role of this variant in disease. Therefore, it has been classified as a Variant of Uncertain Significance.